The following is an entry in ClinVar:

ClinVar aggregate classification (germline): Pathogenic (1 of 4 stars; one submission).

Conditions:
Immunodeficiency, common variable, 7. Identifiers: Orphanet 1572, Orphanet 696894, MedGen C3542922, MONDO:0013862, OMIM 614699.

Allele frequency attached by ClinVar (database versions not stated): gnomAD 0.00001; gnomAD exomes 0.00001; ESP Exome Variant Server 0.00008; TOPMed 0.00001.

Submission:

Labcorp Genetics (formerly Invitae), Labcorp
Classification: Pathogenic for Immunodeficiency, common variable, 7. Last evaluated: 2024-02-24. Review status: criteria provided, single submitter. Criteria: Invitae Variant Classification Sherloc (09022015). Collection method: clinical testing. Allele origin: germline.
Comment: This sequence change creates a premature translational stop signal (p.Asp808Alafs*37) in the CR2 gene. It is expected to result in an absent or disrupted protein product. Loss-of-function variants in CR2 are known to be pathogenic (PMID: 26325596, 28499783). This variant is not present in population databases (gnomAD no frequency). This variant has not been reported in the literature in individuals affected with CR2-related conditions. ClinVar contains an entry for this variant (Variation ID: 2169328). For these reasons, this variant has been classified as Pathogenic.

Literature cited by the submitters: PubMed 26325596; PubMed 28499783.

NM_001006658.3(CR2):c.2423del (p.Asp808fs)

Gene: CR2 (complement C3d receptor 2; plus strand). Cytogenetic location: 1q32.2.
Variant type: Deletion.
Coding change: c.2423del on transcript NM_001006658.3 (MANE Select); coding-DNA position 2423, one base deleted (A; older notation c.2423delA).
Protein change: p.Asp808fs; shifts the reading frame from aspartic acid 808.
Molecular consequence: frameshift variant.
Genome position (GRCh38, 1-based): chr1:207,474,923, A deleted. VCF-style (leftmost placement, unchanged base first): chr1-207474922-GA-G. GRCh37 (hg19) VCF-style: chr1-207648267-GA-G.
Other names: c.2246del, p.Asp749fs (NM_001877.5); short protein forms D808fs, D749fs.
Identifiers: ClinVar variation 2169328 (VCV002169328.4), dbSNP rs867610056, ClinGen allele CA36652856.
Genomic context (GRCh38, chr1:207,474,922, plus strand): 5'-AAGCACACAGGCATGATGGCAGAAAACTTTCTATATGGAAATGAAGTCTCTTATGAATGT[GA>G]CCAAGGATTCTATCTCCTGGGAGAGAAAAAATTGCAGTGCAGAAGTGATTCTAAAGGACA-3'